The following is an entry in ClinVar:

NM_000426.4(LAMA2):c.234_241dup (p.Pro81fs)

Gene: LAMA2 (laminin subunit alpha 2; plus strand). Cytogenetic location: 6q22.33.
Variant type: Duplication.
Coding change: c.234_241dup on transcript NM_000426.4 (MANE Select); coding-DNA positions 234 to 241, 8 bases duplicated (GAGGAACC; older notation c.234_241dupGAGGAACC).
Protein change: p.Pro81fs; shifts the reading frame from proline 81.
Molecular consequence: frameshift variant.
Genome position (GRCh38, 1-based): chr6:129,050,039-129,050,046, GAGGAACC duplicated. VCF-style (leftmost placement, unchanged base first): chr6-129050038-T-TGAGGAACC. GRCh37 (hg19) VCF-style: chr6-129371183-T-TGAGGAACC.
Other names: c.234_241dup, p.Pro81fs (NM_001079823.2); short protein forms P81fs.
Identifiers: ClinVar variation 3619888 (VCV003619888.2).
Genomic context (GRCh38, chr6:129,050,038, plus strand): 5'-GTGGAGAAAAAGGACCTGAAATGTACTGCAAATTGGTAGAACATGTCCCTGGGCAGCCTG[T>TGAGGAACC]GAGGAACCCGCAGTGTCGAATCTGCAATCAAAACAGCAGCAATCCAAACCGTATGTATTT-3'

ClinVar aggregate classification (germline): Pathogenic (1 of 4 stars; one submission).

Conditions:
LAMA2-related muscular dystrophy (LAMA2-RD). Also called: Laminin alpha 2-related dystrophy. Identifiers: MedGen C5679788, MONDO:0100228.

Submission:

Labcorp Genetics (formerly Invitae), Labcorp
Classification: Pathogenic for LAMA2-related muscular dystrophy. Last evaluated: 2024-06-26. Review status: criteria provided, single submitter. Criteria: Invitae Variant Classification Sherloc (09022015). Collection method: clinical testing. Allele origin: germline.
Comment: This sequence change creates a premature translational stop signal (p.Pro81Argfs*47) in the LAMA2 gene. It is expected to result in an absent or disrupted protein product. Loss-of-function variants in LAMA2 are known to be pathogenic (PMID: 18700894, 32904964). This variant is not present in population databases (gnomAD no frequency). This variant has not been reported in the literature in individuals affected with LAMA2-related conditions. For these reasons, this variant has been classified as Pathogenic.

Literature cited by the submitters: PubMed 18700894; PubMed 32904964.